The following is an entry in ClinVar:

NM_018699.4(PRDM5):c.1538-287T>G

Gene: PRDM5 (PR/SET domain 5; minus strand). Cytogenetic location: 4q27.
Variant type: single nucleotide variant.
Coding change: c.1538-287T>G on transcript NM_018699.4 (MANE Select); 287 bases into the intron before coding-DNA position 1538, T replaced by G.
Molecular consequence: intron variant.
Genome position (GRCh38, 1-based): chr4:120,754,925, A>C on the plus strand (T>G on the coding strand, the complement: PRDM5 is on the minus strand). VCF-style: chr4-120754925-A-C. GRCh37 (hg19) VCF-style: chr4-121676080-A-C.
Other names: c.1444+22263T>G (NM_001300824.2); c.1445-287T>G (NM_001379106.1, NM_001300823.2); c.1571-287T>G (NM_001379104.1).
Identifiers: ClinVar variation 683711 (VCV000683711.1), dbSNP rs843559, ClinGen allele CA105114716.

ClinVar aggregate classification (germline): Benign (1 of 4 stars; one submission).

Allele frequency attached by ClinVar (database versions not stated): TOPMed 0.99059; 1000 Genomes Project 30x 0.99063; 1000 Genomes Project 0.99101; gnomAD 0.99155 and 0.99204.
gnomAD v4.1: 151,108 of 152,312 alleles (99%); highest among the groups gnomAD compares: Middle Eastern, 100%; 74,969 homozygotes.

Submission:

GeneDx
Classification: Benign. Last evaluated: 2018-06-18. Review status: criteria provided, single submitter. Criteria: GeneDx Variant Classification (06012015). Collection method: clinical testing. Allele origin: germline. Affected: yes.
Comment: This variant is considered likely benign or benign based on one or more of the following criteria: it is a conservative change, it occurs at a poorly conserved position in the protein, it is predicted to be benign by multiple in silico algorithms, and/or has population frequency not consistent with disease.